The following is an entry in ClinVar:

NM_000088.4(COL1A1):c.1693C>T (p.Pro565Ser)

Gene: COL1A1 (collagen type I alpha 1 chain; minus strand). Cytogenetic location: 17q21.33.
Variant type: single nucleotide variant.
Coding change: c.1693C>T on transcript NM_000088.4 (MANE Select); coding-DNA position 1693, C replaced by T.
Protein change: p.Pro565Ser; replaces proline 565 with serine.
Molecular consequence: missense variant.
Genome position (GRCh38, 1-based): chr17:50,194,017, G>A on the plus strand (C>T on the coding strand, the complement: COL1A1 is on the minus strand). VCF-style: chr17-50194017-G-A. GRCh37 (hg19) VCF-style: chr17-48271378-G-A.
Other names: short protein forms P565S.
Identifiers: ClinVar variation 4685613 (VCV004685613.1).

ClinVar aggregate classification (germline): Uncertain significance (1 of 4 stars; one submission).

gnomAD v4.1: 4 of 1,614,022 alleles (0.00025%); highest among the groups gnomAD compares: African/African-American, 0.0053%; no homozygotes.

Submission:

ARUP Laboratories, Molecular Genetics and Genomics, ARUP Laboratories
Classification: Uncertain significance. Last evaluated: 2025-02-12. Review status: criteria provided, single submitter. Criteria: ARUP Molecular Germline Variant Investigation Process 2024. Collection method: clinical testing. Allele origin: germline.
Comment: The COL1A1 c.1693C>T; p.Pro565Ser variant (rs750241688), to our knowledge, is not reported in the medical literature or gene specific databases. This variant is only observed on three alleles in the Genome Aggregation Database (v2.1.1), indicating it is not a common polymorphism. Computational analyses are uncertain whether this variant is neutral or deleterious (REVEL: 0.407). Due to limited information, the clinical significance of this variant is uncertain at this time.